The following is an entry in ClinVar:

ClinVar aggregate classification (germline): Likely benign (0 of 4 stars; one submission).

Conditions:
RAI1-related disorder. Also called: RAI1-related condition.

gnomAD v4.1: 3 of 1,611,132 alleles (0.00019%); highest among the groups gnomAD compares: South Asian, 0.0033%; no homozygotes.

Submission:

PreventionGenetics, part of Exact Sciences
Classification: Likely benign for RAI1-related condition. Last evaluated: 2021-12-02. Review status: no assertion criteria provided. Collection method: clinical testing. Allele origin: germline.
Comment: This variant is classified as likely benign based on ACMG/AMP sequence variant interpretation guidelines (Richards et al. 2015 PMID: 25741868, with internal and published modifications).

NM_030665.4(RAI1):c.3540C>T (p.Asn1180=)

Gene: RAI1 (retinoic acid induced 1; plus strand). Cytogenetic location: 17p11.2.
Variant type: single nucleotide variant.
Coding change: c.3540C>T on transcript NM_030665.4 (MANE Select); coding-DNA position 3540, C replaced by T.
Protein change: p.Asn1180=; no amino-acid change (asparagine 1180 retained).
Molecular consequence: synonymous variant.
Genome position (GRCh38, 1-based): chr17:17,796,488, C>T. VCF-style: chr17-17796488-C-T. GRCh37 (hg19) VCF-style: chr17-17699802-C-T.
Identifiers: ClinVar variation 3354761 (VCV003354761.1).
Genomic context (GRCh38, chr17:17,796,488, plus strand): 5'-GCGGAGGCCCTCTGAGGGCCGGCTCCCCAACTGCCGTGCCACCAAGAAGCTCCTCGACAA[C>T]AGCCACTTGCCCGCCACATTCAAGGTCTCCAGCAGCCCCCAGAAGGAGGGCAGGGTGAGC-3'
Protein context (NP_109590.3, residues 1170-1190): NCRATKKLLD[Asn1180=]SHLPATFKVS